The following is an entry in ClinVar:

NM_000796.6(DRD3):c.-252C>T

Gene: DRD3 (dopamine receptor D3; minus strand). Cytogenetic location: 3q13.31.
Variant type: single nucleotide variant.
Coding change: c.-252C>T on transcript NM_000796.6 (MANE Select); 252 bases upstream of the start codon, C replaced by T.
Molecular consequence: 5 prime UTR variant. On other transcripts: intron variant (1).
Genome position (GRCh38, 1-based): chr3:114,178,873, G>A on the plus strand (C>T on the coding strand, the complement: DRD3 is on the minus strand). VCF-style: chr3-114178873-G-A. GRCh37 (hg19) VCF-style: chr3-113897720-G-A.
Other names: c.-252C>T (NM_033663.6); c.-155-97C>T (NM_001282563.2).
Identifiers: ClinVar variation 342608 (VCV000342608.5), dbSNP rs36211803, ClinGen allele CA10614938.

ClinVar aggregate classification (germline): Likely benign (1 of 4 stars; one submission).

Conditions:
Tremor, hereditary essential, 1 (ETM1). Also called: Familial essential tremor. Identifiers: MedGen C1860861, MONDO:0008590, OMIM 190300.

Allele frequency attached by ClinVar (database versions not stated): gnomAD 0.00180 and 0.00263; TOPMed 0.00201; 1000 Genomes Project 0.00559; 1000 Genomes Project 30x 0.00562.

Submission:

Illumina Laboratory Services, Illumina
Classification: Likely benign for Tremor, hereditary essential, 1. Last evaluated: 2018-01-12. Review status: criteria provided, single submitter. Criteria: ICSL Variant Classification Criteria 13 December 2019. Collection method: clinical testing. Allele origin: germline.
Comment: This variant was observed in the ICSL laboratory as part of a predisposition screen in an ostensibly healthy population. It had not been previously curated by ICSL or reported in the Human Gene Mutation Database (HGMD: prior to June 1st, 2018), and was therefore a candidate for classification through an automated scoring system. Utilizing variant allele frequency, disease prevalence and penetrance estimates, and inheritance mode, an automated score was calculated to assess if this variant is too frequent to cause the disease. Based on the score and internal cut-off values, a variant classified as likely benign is not then subjected to further curation. The score for this variant resulted in a classification of likely benign for this disease.